The following is an entry in ClinVar:

ClinVar aggregate classification (germline): Conflicting classifications of pathogenicity. Review status: criteria provided, conflicting classifications (1 of 4 stars). 3 submissions from 3 submitters: Uncertain significance (2); Benign (1). Last evaluated 2026-04-27.

Conditions:
GDF6-related disorder. Also called: GDF6-related condition.
Inborn genetic diseases. Identifiers: MedGen C0950123, MeSH D030342.
Microphthalmia, isolated, with coloboma 6 (MCOPCB6). Also called: MICROPHTHALMIA/COLOBOMA 6; Microphthalmia with coloboma 6, digenic; Microphthalmia with coloboma 6. Identifiers: Orphanet 98938, MedGen C3150968, MONDO:0013376, OMIM 613703.
Isolated microphthalmia 4. Identifiers: Orphanet 2542, MedGen C2751307, MONDO:0013130, OMIM 613094.
Klippel-Feil syndrome 1, autosomal dominant (KFS1). Also called: CERVICAL VERTEBRAL FUSION, AUTOSOMAL DOMINANT. Identifiers: Orphanet 2345, MedGen C1861689, MONDO:0007306, OMIM 118100.
Leber congenital amaurosis 17 (LCA17). Identifiers: Orphanet 65, MedGen C3715164, MONDO:0014145, OMIM 615360.

Allele frequency attached by ClinVar (database versions not stated): TOPMed 0.00001; gnomAD exomes 0.00002.
gnomAD v4.1: 15 of 1,392,372 alleles (0.0011%); highest among the groups gnomAD compares: Non-Finnish European, 0.0013%; no homozygotes.

Submissions (3):

PreventionGenetics, part of Exact Sciences
Classification: Uncertain significance for GDF6-related condition. Last evaluated: 2026-04-27. Review status: criteria provided, single submitter. Criteria: ACMG Guidelines, 2015. Collection method: clinical testing. Allele origin: germline.
Comment: The GDF6 c.959C>G variant is predicted to result in the amino acid substitution p.Pro320Arg. To our knowledge, this variant has not been reported in the literature. This variant is reported in 0.0084% of alleles in individuals of European (Non-Finnish) descent in gnomAD. At this time, the clinical significance of this variant is uncertain due to the absence of conclusive functional and genetic evidence.

Labcorp Genetics (formerly Invitae), Labcorp
Classification: Benign for Isolated microphthalmia 4; Leber congenital amaurosis 17; Klippel-Feil syndrome 1, autosomal dominant; Microphthalmia, isolated, with coloboma 6. Last evaluated: 2024-11-02. Review status: criteria provided, single submitter. Criteria: Invitae Variant Classification Sherloc (09022015). Collection method: clinical testing. Allele origin: germline.

Ambry Genetics
Classification: Uncertain significance for Inborn genetic diseases. Last evaluated: 2024-03-25. Review status: criteria provided, single submitter. Criteria: Ambry Variant Classification Scheme 2023. Collection method: clinical testing. Allele origin: germline.

NM_001001557.4(GDF6):c.959C>G (p.Pro320Arg)

Gene: GDF6 (growth differentiation factor 6; minus strand). Cytogenetic location: 8q22.1.
Variant type: single nucleotide variant.
Coding change: c.959C>G on transcript NM_001001557.4 (MANE Select); coding-DNA position 959, C replaced by G.
Protein change: p.Pro320Arg; replaces proline 320 with arginine.
Molecular consequence: missense variant.
Genome position (GRCh38, 1-based): chr8:96,144,972, G>C on the plus strand (C>G on the coding strand, the complement: GDF6 is on the minus strand). VCF-style: chr8-96144972-G-C. GRCh37 (hg19) VCF-style: chr8-97157200-G-C.
Other names: c.959C>G (NM_001001557.3, NM_001001557.2); short protein forms P320R.
Identifiers: ClinVar variation 1404300 (VCV001404300.8), dbSNP rs888138096, ClinGen allele CA181485028.
Genomic context (GRCh38, chr8:96,144,972, plus strand): 5'-CTGGCGAAGGCCGTGCGCCGCCGCCGGCGGCCGGGCGAGGGCAGCCAAGGCCTGGCATCC[G>C]GGGCGCCCGACGGCGGCGGCCACGACCCCTCGGCGCCCGCGCCCGGGCCCGCAGCCTCGG-3'
Protein context (NP_001001557.1, residues 310-330): EGSWPPPSGA[Pro320Arg]DARPWLPSPG